The following is an entry in ClinVar:

NM_000213.5(ITGB4):c.3138G>T (p.Leu1046=)

Gene: ITGB4 (integrin subunit beta 4; plus strand). Cytogenetic location: 17q25.1.
Variant type: single nucleotide variant.
Coding change: c.3138G>T on transcript NM_000213.5 (MANE Select); coding-DNA position 3138, G replaced by T.
Protein change: p.Leu1046=; no amino-acid change (leucine 1046 retained).
Molecular consequence: synonymous variant.
Genome position (GRCh38, 1-based): chr17:75,748,867, G>T. VCF-style: chr17-75748867-G-T. GRCh37 (hg19) VCF-style: chr17-73744948-G-T.
Other names: c.3138G>T, p.Leu1046= (NM_001005619.2, NM_001005731.3, NM_001321123.2).
Identifiers: ClinVar variation 1902012 (VCV001902012.7), dbSNP rs559661111, ClinGen allele CA8769723.
Genomic context (GRCh38, chr17:75,748,867, plus strand): 5'-CCATGACCCTGACCCTGACCCCCTCCACTCCCAGGACTACATCCCCGTGGAGGGTGAGCT[G>T]CTGTTCCAGCCTGGGGAGGCCTGGAAAGAGCTGCAGGTGAAGCTCCTGGAGCTGCAAGAA-3'
Protein context (NP_000204.3, residues 1036-1056): NRDYIPVEGE[Leu1046=]LFQPGEAWKE

ClinVar aggregate classification (germline): Likely benign. Review status: criteria provided, single submitter (1 of 4 stars). 2 submissions from 2 submitters: Likely benign (1). 1 of the submissions does not count toward it. Last evaluated 2025-12-01.

Conditions:
ITGB4-related disorder. Also called: ITGB4-related condition.

Allele frequency attached by ClinVar (database versions not stated): gnomAD exomes below 0.00001; ExAC 0.00004; TOPMed 0.00007; gnomAD 0.00009; 1000 Genomes Project 30x 0.00062; 1000 Genomes Project 0.00080.

Submissions (2):

Labcorp Genetics (formerly Invitae), Labcorp
Classification: Likely benign. Last evaluated: 2025-12-01. Review status: criteria provided, single submitter. Criteria: Invitae Variant Classification Sherloc (09022015). Collection method: clinical testing. Allele origin: germline.

PreventionGenetics, part of Exact Sciences
Classification: Likely benign for ITGB4-related condition. Last evaluated: 2019-02-21. Review status: no assertion criteria provided. Collection method: clinical testing. Allele origin: germline. Not counted in ClinVar's aggregate classification.
Comment: This variant is classified as likely benign based on ACMG/AMP sequence variant interpretation guidelines (Richards et al. 2015 PMID: 25741868, with internal and published modifications).